The following is an entry in ClinVar:

ClinVar aggregate classification (germline): Pathogenic (1 of 4 stars; one submission).

Conditions:
Tuberous sclerosis 2 (TSC2). Identifiers: Orphanet 805, MedGen C1860707, MONDO:0013199, OMIM 613254.

Submission:

Labcorp Genetics (formerly Invitae), Labcorp
Classification: Pathogenic for Tuberous sclerosis 2. Last evaluated: 2017-03-23. Review status: criteria provided, single submitter. Criteria: Invitae Variant Classification Sherloc (09022015). Collection method: clinical testing. Allele origin: germline.
Comment: This sequence change inserts 1 nucleotide in exon 16 of the TSC2 mRNA (c.1609dupC), causing a frameshift at codon 537. This creates a premature translational stop signal (p.Arg537Profs*52) and is expected to result in an absent or disrupted protein product. While this particular variant has not been reported in the literature, loss-of-function variants in TSC2 are known to be pathogenic (PMID: 10205261, 17304050). For these reasons, this variant has been classified as Pathogenic.

Literature cited by the submitters: PubMed 10205261; PubMed 17304050.

NM_000548.5(TSC2):c.1609dup (p.Arg537fs)

Gene: TSC2 (TSC complex subunit 2; plus strand). Cytogenetic location: 16p13.3.
Variant type: Duplication.
Coding change: c.1609dup on transcript NM_000548.5 (MANE Select); coding-DNA position 1609, one base duplicated (C; older notation c.1609dupC).
Protein change: p.Arg537fs; shifts the reading frame from arginine 537.
Molecular consequence: frameshift variant.
Genome position (GRCh38, 1-based): chr16:2,065,528, C duplicated; the last of 3 consecutive C bases (chr16:2,065,526-2,065,528); duplicating any one gives the same sequence. VCF-style (leftmost placement, unchanged base first): chr16-2065525-G-GC. GRCh37 (hg19) VCF-style: chr16-2115526-G-GC.
Other names: c.1609dup, p.Arg537fs (NM_001077183.3, NM_001114382.3, NM_001363528.2 and 3 more transcripts); c.1498dup, p.Arg500fs (NM_001318827.2); c.1462dup, p.Arg488fs (NM_001318829.2); c.1009dup, p.Arg337fs (NM_001318831.2); c.1642dup, p.Arg548fs (NM_001318832.2); c.1609dupC (NM_000548.3); short protein forms R500fs, R337fs, R537fs, R548fs, R488fs.
Identifiers: ClinVar variation 467884 (VCV000467884.6), dbSNP rs1555503131, ClinGen allele CA658658365.
Genomic context (GRCh38, chr16:2,065,525, plus strand): 5'-GCTGCTGACTCAGAACCATGAGCCTGTGTGTAAGTCCTGGCCTTCTCTTCAAAGGTGATG[G>GC]CCCGCTCCCTCTCCCCACCCCCGGAGCTGGAAGAAAGGGATGTGGCCGCATACTCGGCCT-3'